The following is an entry in ClinVar:

ClinVar aggregate classification (germline): Uncertain significance (0 of 4 stars; one submission).

Conditions:
NCOA1-related disorder. Also called: NCOA1-related condition.

Submission:

PreventionGenetics, part of Exact Sciences
Classification: Uncertain significance for NCOA1-related condition. Last evaluated: 2024-08-30. Review status: no assertion criteria provided. Collection method: clinical testing. Allele origin: germline.
Comment: The NCOA1 c.2995_2997delTCT variant is predicted to result in an in-frame deletion (p.Ser999del). To our knowledge, this variant has not been reported in the literature. This variant is reported in 0.0033% of alleles in individuals of South Asian descent in gnomAD. At this time, the clinical significance of this variant is uncertain due to the absence of conclusive functional and genetic evidence.

NM_003743.5(NCOA1):c.2995_2997del (p.Ser999del)

Gene: NCOA1 (nuclear receptor coactivator 1; plus strand). Cytogenetic location: 2p23.3.
Variant type: Deletion.
Coding change: c.2995_2997del on transcript NM_003743.5 (MANE Select); coding-DNA positions 2995 to 2997, 3 bases deleted (TCT; older notation c.2995_2997delTCT).
Protein change: p.Ser999del; deletes serine 999.
Molecular consequence: inframe deletion.
Genome position (GRCh38, 1-based): chr2:24,729,609-24,729,611, TCT deleted; deleting any 3 consecutive bases within chr2:24,729,607-24,729,611 gives the same sequence; the c. name uses the placement nearest the transcript's 3' end. VCF-style (leftmost placement, unchanged base first): chr2-24729606-CCTT-C. GRCh37 (hg19) VCF-style: chr2-24952475-CCTT-C.
Other names: c.2995_2997del, p.Ser999del (NM_001362950.1, NM_001362952.1, NM_001362954.1 and 3 more transcripts); short protein forms S999del.
Identifiers: ClinVar variation 3352721 (VCV003352721.1).
Genomic context (GRCh38, chr2:24,729,606, plus strand): 5'-GCAACGCCACCTTTGATCATGGAAGAAAGACCCAACCTTTATTCCCAGCCTTACTCTTCT[CCTT>C]CTCCTACTGCCAATCTCCCTAGCCCTTTCCAAGGCATGGTCAGGCAAAAACCTTCACTGG-3'